The following is an entry in ClinVar:

ClinVar aggregate classification (germline): Conflicting classifications of pathogenicity. Review status: criteria provided, conflicting classifications (1 of 4 stars). 2 submissions from 2 submitters: Uncertain significance (1); Likely benign (1). Last evaluated 2023-10-01.

Conditions:
Retinal dystrophy. Also called: Inherited retinal dystrophy. Identifiers: Orphanet 71862, MedGen C0854723, MeSH D058499, MONDO:0019118, HP:0000556.

Allele frequency attached by ClinVar (database versions not stated): TOPMed below 0.00001; gnomAD 0.00001.

Submissions (2):

Dept Of Ophthalmology, Nagoya University
Classification: Likely benign for Retinal dystrophy. Last evaluated: 2023-10-01. Review status: criteria provided, single submitter. Criteria: Submitter's publication. Collection method: research. Allele origin: germline. Affected: yes.

Labcorp Genetics (formerly Invitae), Labcorp
Classification: Uncertain significance. Last evaluated: 2022-09-23. Review status: criteria provided, single submitter. Criteria: Invitae Variant Classification Sherloc (09022015). Collection method: clinical testing. Allele origin: germline.
Comment: This variant has not been reported in the literature in individuals affected with FSCN2-related conditions. This sequence change replaces arginine, which is basic and polar, with tryptophan, which is neutral and slightly polar, at codon 157 of the FSCN2 protein (p.Arg157Trp). The frequency data for this variant in the population databases is considered unreliable, as metrics indicate poor data quality at this position in the gnomAD database. Algorithms developed to predict the effect of missense changes on protein structure and function are either unavailable or do not agree on the potential impact of this missense change (SIFT: "Deleterious"; PolyPhen-2: "Possibly Damaging"; Align-GVGD: "Class C0"). In summary, the available evidence is currently insufficient to determine the role of this variant in disease. Therefore, it has been classified as a Variant of Uncertain Significance.

NM_012418.4(FSCN2):c.469C>T (p.Arg157Trp)

Gene: FSCN2 (fascin actin-bundling protein 2, retinal; plus strand). Cytogenetic location: 17q25.3.
Variant type: single nucleotide variant.
Coding change: c.469C>T on transcript NM_012418.4 (MANE Select); coding-DNA position 469, C replaced by T.
Protein change: p.Arg157Trp; replaces arginine 157 with tryptophan.
Molecular consequence: missense variant.
Genome position (GRCh38, 1-based): chr17:81,529,000, C>T. VCF-style: chr17-81529000-C-T. GRCh37 (hg19) VCF-style: chr17-79496026-C-T.
Other names: c.469C>T, p.Arg157Trp (NM_001077182.3); short protein forms R157W.
Identifiers: ClinVar variation 1931861 (VCV001931861.6), dbSNP rs1555670704, ClinGen allele CA401471158.